The following is an entry in ClinVar:

ClinVar aggregate classification (germline): Pathogenic. Review status: criteria provided, multiple submitters, no conflicts (2 of 4 stars). 2 submissions from 2 submitters: Pathogenic (2). Last evaluated 2024-09-21.

Conditions:
Microcephaly 5, primary, autosomal recessive (MCPH5). Also called: ASPM Primary Microcephaly. Identifiers: Orphanet 2512, MedGen C1837501, MONDO:0012106, OMIM 608716.

Allele frequency attached by ClinVar (database versions not stated): 1000 Genomes Project 30x 0.00016.
gnomAD v4.1: 15 of 1,612,290 alleles (0.00093%); highest among the groups gnomAD compares: South Asian, 0.0033%; no homozygotes.

Submissions (2):

Victorian Clinical Genetics Services, Murdoch Childrens Research Institute
Classification: Pathogenic for Microcephaly 5, primary, autosomal recessive. Last evaluated: 2024-09-21. Review status: criteria provided, single submitter. Criteria: ACMG Guidelines, 2015. Collection method: clinical testing. Allele origin: germline. Inheritance: Autosomal recessive inheritance. Affected: yes.
Comment: Based on the classification scheme VCGS_Germline_v1.3.4, this variant is classified as Pathogenic. Following criteria are met: 0102 - Loss of function is a known mechanism of disease in this gene and is associated with Microcephaly 5, primary (MIM#608716). (I) 0106 - This gene is associated with autosomal recessive disease. (I) 0201 - Variant is predicted to cause nonsense-mediated decay (NMD) and loss of protein (premature termination codon is located at least 54 nucleotides upstream of the final exon-exon junction). (SP) 0251 - This variant is heterozygous. (I) 0304 - Variant is present in gnomAD <0.01 for a recessive condition (v2: 1 heterozygote, 0 homozygotes). (SP) 0701 - Other NMD-predicted variants comparable to the one identified in this case have very strong previous evidence for pathogenicity (DECIPHER). (SP) 0803 - This variant has limited previous evidence of pathogenicity in unrelated individuals. It has been reported twice as pathogenic, including once in a homozygote with congenital microcephaly (ClinVar; PMID:29243349). (I) Legend: (SP) - Supporting pathogenic, (I) - Information, (SB) - Supporting benign

GeneDx
Classification: Pathogenic. Last evaluated: 2024-02-14. Review status: criteria provided, single submitter. Criteria: GeneDx Variant Classification Process June 2021. Collection method: clinical testing. Allele origin: germline. Affected: yes.
Comment: Not observed at significant frequency in large population cohorts (gnomAD); Nonsense variant predicted to result in protein truncation or nonsense mediated decay in a gene for which loss of function is a known mechanism of disease; This variant is associated with the following publications: (PMID: 37599996, 29243349)

Literature cited by the submitters: PubMed 29243349 (cited by Victorian Clinical Genetics Services, Murdoch Childrens Research Institute).

NM_018136.5(ASPM):c.4732C>T (p.Arg1578Ter)

Gene: ASPM (assembly factor for spindle microtubules; minus strand). Cytogenetic location: 1q31.3.
Variant type: single nucleotide variant.
Coding change: c.4732C>T on transcript NM_018136.5 (MANE Select); coding-DNA position 4732, C replaced by T.
Protein change: p.Arg1578Ter; replaces arginine 1578 with a stop codon.
Molecular consequence: nonsense. On other transcripts: intron variant (1).
Genome position (GRCh38, 1-based): chr1:197,104,519, G>A on the plus strand (C>T on the coding strand, the complement: ASPM is on the minus strand). VCF-style: chr1-197104519-G-A. GRCh37 (hg19) VCF-style: chr1-197073649-G-A.
Other names: c.4066-8355C>T (NM_001206846.2); short protein forms R1578*.
Identifiers: ClinVar variation 234718 (VCV000234718.5), dbSNP rs753406334, ClinGen allele CA10577221.
Genomic context (GRCh38, chr1:197,104,519, plus strand): 5'-GTTGATGTTTTCTTACATGTGCCTGAAATTTGATAATAGTCTTCTTAAGGTTTAAAAATC[G>A]AACTCTGTCTTGTCTCATTCTCCAGTATGACTGAATAACACAAGCAGCTCTAATTTGTCT-3'